The following is an entry in ClinVar:

NM_015100.4(POGZ):c.1528A>G (p.Met510Val)

Gene: POGZ (pogo transposable element derived with ZNF domain; minus strand). Cytogenetic location: 1q21.3.
Variant type: single nucleotide variant.
Coding change: c.1528A>G on transcript NM_015100.4 (MANE Select); coding-DNA position 1528, A replaced by G.
Protein change: p.Met510Val; replaces methionine 510 with valine.
Molecular consequence: missense variant.
Genome position (GRCh38, 1-based): chr1:151,423,547, T>C on the plus strand (A>G on the coding strand, the complement: POGZ is on the minus strand). VCF-style: chr1-151423547-T-C. GRCh37 (hg19) VCF-style: chr1-151396023-T-C.
Other names: c.1501A>G, p.Met501Val (NM_001194937.2); c.1342A>G, p.Met448Val (NM_001194938.2); c.1243A>G, p.Met415Val (NM_145796.4); c.1369A>G, p.Met457Val (NM_207171.2); short protein forms M415V, M448V, M457V, M501V, M510V.
Identifiers: ClinVar variation 1306636 (VCV001306636.3), dbSNP rs2102270859, ClinGen allele CA341970372.

ClinVar aggregate classification (germline): Uncertain significance. Review status: criteria provided, multiple submitters, no conflicts (2 of 4 stars). 2 submissions from 2 submitters: Uncertain significance (2). Last evaluated 2026-09-15.

Conditions:
POGZ-related disorder. Also called: POGZ-related condition.

Allele frequency attached by ClinVar (database versions not stated): gnomAD exomes below 0.00001.

Submissions (2):

PreventionGenetics, part of Exact Sciences
Classification: Uncertain significance for POGZ-related condition. Last evaluated: 2026-09-15. Review status: criteria provided, single submitter. Criteria: ACMG Guidelines, 2015. Collection method: clinical testing. Allele origin: germline.
Comment: The POGZ c.1528A>G variant is predicted to result in the amino acid substitution p.Met510Val. To our knowledge, this variant has not been reported in the literature or in a large population database (gnomAD), indicating this variant is rare. At this time, the clinical significance of this variant is uncertain due to the absence of conclusive functional and genetic evidence.

GeneDx
Classification: Uncertain significance. Last evaluated: 2019-06-27. Review status: criteria provided, single submitter. Criteria: GeneDx Variant Classification Process June 2021. Collection method: clinical testing. Allele origin: germline. Affected: yes.
Comment: Not observed in large population cohorts (Lek et al., 2016); In silico analysis, which includes protein predictors and evolutionary conservation, supports a deleterious effect; Has not been previously published as pathogenic or benign to our knowledge